The following is an entry in ClinVar:

ClinVar aggregate classification (germline): Benign (1 of 4 stars; one submission).

Allele frequency attached by ClinVar (database versions not stated): 1000 Genomes Project 0.04113; 1000 Genomes Project 30x 0.04216; TOPMed 0.06372; gnomAD 0.06513 and 0.06585.
gnomAD v4.1: 10,032 of 152,238 alleles (6.6%); highest among the groups gnomAD compares: Middle Eastern, 11%; 438 homozygotes.

Submission:

GeneDx
Classification: Benign. Last evaluated: 2018-06-19. Review status: criteria provided, single submitter. Criteria: GeneDx Variant Classification (06012015). Collection method: clinical testing. Allele origin: germline. Affected: yes.
Comment: This variant is considered likely benign or benign based on one or more of the following criteria: it is a conservative change, it occurs at a poorly conserved position in the protein, it is predicted to be benign by multiple in silico algorithms, and/or has population frequency not consistent with disease.

NM_001377.3(DYNC2H1):c.2206-288A>G

Gene: DYNC2H1 (dynein cytoplasmic 2 heavy chain 1; plus strand). Cytogenetic location: 11q22.3.
Variant type: single nucleotide variant.
Coding change: c.2206-288A>G on transcript NM_001377.3 (MANE Select); 288 bases into the intron before coding-DNA position 2206, A replaced by G.
Molecular consequence: intron variant.
Genome position (GRCh38, 1-based): chr11:103,135,207, A>G. VCF-style: chr11-103135207-A-G. GRCh37 (hg19) VCF-style: chr11-103005936-A-G.
Other names: c.2206-288A>G (NM_001080463.2).
Identifiers: ClinVar variation 667692 (VCV000667692.1), dbSNP rs17301491, ClinGen allele CA227408542.